The following is an entry in ClinVar:

ClinVar aggregate classification (germline): Uncertain significance (1 of 4 stars; one submission).

Conditions:
Acromesomelic dysplasia 3 (AMD3). Also called: CHONDRODYSPLASIA, ACROMESOMELIC, WITH OR WITHOUT GENITAL ANOMALIES; Acromesomelic dysplasia, Demirhan type. Identifiers: MedGen C4225404, MONDO:0012274, OMIM 609441.
Type A2 brachydactyly (BDA2). Also called: BRACHYMESOPHALANGY II; MOHR-WRIEDT TYPE BRACHYDACTYLY; Brachymesophalangy type 2. Identifiers: Orphanet 93396, MedGen C1832702, MONDO:0007216, OMIM 112600, HP:0009372.

Submission:

Labcorp Genetics (formerly Invitae), Labcorp
Classification: Uncertain significance for Type A2 brachydactyly; Acromesomelic dysplasia 3. Last evaluated: 2025-11-10. Review status: criteria provided, single submitter. Criteria: Invitae Variant Classification Sherloc (09022015). Collection method: clinical testing. Allele origin: germline.
Comment: This sequence change replaces lysine, which is basic and polar, with arginine, which is basic and polar, at codon 212 of the BMPR1B protein (p.Lys212Arg). This variant is not present in population databases (gnomAD no frequency). This variant has not been reported in the literature in individuals affected with BMPR1B-related conditions. Invitae Evidence Modeling of protein sequence and biophysical properties (such as structural, functional, and spatial information, amino acid conservation, physicochemical variation, residue mobility, and thermodynamic stability) indicates that this missense variant is not expected to disrupt BMPR1B protein function with a negative predictive value of 80%. In summary, the available evidence is currently insufficient to determine the role of this variant in disease. Therefore, it has been classified as a Variant of Uncertain Significance.

NM_001203.3(BMPR1B):c.635A>G (p.Lys212Arg)

Gene: BMPR1B (bone morphogenetic protein receptor type 1B; plus strand). Cytogenetic location: 4q22.3.
Variant type: single nucleotide variant.
Coding change: c.635A>G on transcript NM_001203.3 (MANE Select); coding-DNA position 635, A replaced by G.
Protein change: p.Lys212Arg; replaces lysine 212 with arginine.
Molecular consequence: missense variant.
Genome position (GRCh38, 1-based): chr4:95,129,911, A>G. VCF-style: chr4-95129911-A-G. GRCh37 (hg19) VCF-style: chr4-96051062-A-G.
Other names: c.635A>G, p.Lys212Arg (NM_001256792.2, NM_001256794.1); c.725A>G, p.Lys242Arg (NM_001256793.2); short protein forms K242R, K212R.
Identifiers: ClinVar variation 4784394 (VCV004784394.1).